The following is an entry in ClinVar:

ClinVar aggregate classification (germline): Uncertain significance (1 of 4 stars; one submission).

Allele frequency attached by ClinVar (database versions not stated): ExAC 0.00001; gnomAD exomes 0.00001; TOPMed 0.00003.
gnomAD v4.1: 9 of 1,614,136 alleles (0.00056%); highest among the groups gnomAD compares: South Asian, 0.0055%; 1 homozygote.

Submission:

Labcorp Genetics (formerly Invitae), Labcorp
Classification: Uncertain significance. Last evaluated: 2022-03-19. Review status: criteria provided, single submitter. Criteria: Invitae Variant Classification Sherloc (09022015). Collection method: clinical testing. Allele origin: germline.
Comment: In summary, the available evidence is currently insufficient to determine the role of this variant in disease. Therefore, it has been classified as a Variant of Uncertain Significance. Experimental studies and prediction algorithms are not available or were not evaluated, and the functional significance of this variant is currently unknown. This variant has not been reported in the literature in individuals affected with HTT-related conditions. This variant is present in population databases (rs759121416, gnomAD 0.007%). This sequence change replaces arginine, which is basic and polar, with cysteine, which is neutral and slightly polar, at codon 2004 of the HTT protein (p.Arg2004Cys).

NM_001388492.1(HTT):c.6004C>T (p.Arg2002Cys)

Gene: HTT (huntingtin; plus strand). Cytogenetic location: 4p16.3.
Variant type: single nucleotide variant.
Coding change: c.6004C>T on transcript NM_001388492.1 (MANE Select); coding-DNA position 6004, C replaced by T.
Protein change: p.Arg2002Cys; replaces arginine 2002 with cysteine.
Molecular consequence: missense variant.
Genome position (GRCh38, 1-based): chr4:3,206,912, C>T. VCF-style: chr4-3206912-C-T. GRCh37 (hg19) VCF-style: chr4-3208639-C-T.
Other names: c.6010C>T, p.Arg2004Cys (NM_002111.8); short protein forms R2002C, R2004C.
Identifiers: ClinVar variation 1450628 (VCV001450628.6), dbSNP rs759121416, ClinGen allele CA2824875.